The following is an entry in ClinVar:

ClinVar aggregate classification (germline): Conflicting classifications of pathogenicity. Review status: criteria provided, conflicting classifications (1 of 4 stars). 3 submissions from 3 submitters: Uncertain significance (2); Likely benign (1). Last evaluated 2025-11-24.

Conditions:
Hereditary cancer-predisposing syndrome. Also called: Neoplastic Syndromes, Hereditary; Hereditary neoplastic syndrome; Hereditary Cancer Syndrome; Tumor predisposition. Identifiers: Orphanet 140162, MedGen C0027672, MeSH D009386, MONDO:0015356.
Waardenburg syndrome type 2A (WS2A). Also called: WAARDENBURG SYNDROME WITHOUT DYSTOPIA CANTHORUM. Identifiers: Orphanet 3440, MedGen C1860339, MONDO:0008671, OMIM 193510.
Tietz syndrome (TADS). Also called: ALBINISM-DEAFNESS OF TIETZ; TIETZ ALBINISM-DEAFNESS SYNDROME; HYPOPIGMENTATION/DEAFNESS OF TIETZ. Identifiers: Orphanet 42665, MedGen C0391816, MONDO:0007077, OMIM 103500.
Melanoma, cutaneous malignant, susceptibility to, 8. Also called: MELANOMA AND RENAL CELL CARCINOMA, SUSCEPTIBILITY TO; Cutaneous malignant melanoma 8. Identifiers: Orphanet 293822, MedGen C3152204, MONDO:0013759, OMIM 614456.

Allele frequency attached by ClinVar (database versions not stated): gnomAD exomes below 0.00001; TOPMed below 0.00001; gnomAD 0.00001.
gnomAD v4.1: 3 of 1,613,640 alleles (0.00019%); highest among the groups gnomAD compares: Non-Finnish European, 0.00025%; no homozygotes.

Submissions (3):

Labcorp Genetics (formerly Invitae), Labcorp
Classification: Uncertain significance for Melanoma, cutaneous malignant, susceptibility to, 8; Waardenburg syndrome type 2A; Tietz syndrome. Last evaluated: 2025-11-24. Review status: criteria provided, single submitter. Criteria: Invitae Variant Classification Sherloc (09022015). Collection method: clinical testing. Allele origin: germline.
Comment: This sequence change affects codon 420 of the MITF mRNA. It is a 'silent' change, meaning that it does not change the encoded amino acid sequence of the MITF protein. This variant is present in population databases (no rsID available, gnomAD 0.007%). This variant has not been reported in the literature in individuals affected with MITF-related conditions. ClinVar contains an entry for this variant (Variation ID: 1806644). In summary, the available evidence is currently insufficient to determine the role of this variant in disease. Therefore, it has been classified as a Variant of Uncertain Significance.

Ambry Genetics
Classification: Likely benign for Hereditary cancer-predisposing syndrome. Last evaluated: 2025-02-22. Review status: criteria provided, single submitter. Criteria: Ambry Variant Classification Scheme 2023. Collection method: clinical testing. Allele origin: germline.

GeneDx
Classification: Uncertain significance. Last evaluated: 2022-06-22. Review status: criteria provided, single submitter. Criteria: GeneDx Variant Classification Process June 2021. Collection method: clinical testing. Allele origin: germline. Affected: yes.
Comment: Not observed at significant frequency in large population cohorts (gnomAD); In silico analysis supports that this variant does not alter splicing; Has not been previously published as pathogenic or benign to our knowledge

NM_001354604.2(MITF):c.1581G>A (p.Ter527=)

Gene: MITF (melanocyte inducing transcription factor; plus strand). Cytogenetic location: 3p13.
Variant type: single nucleotide variant.
Coding change: c.1581G>A on transcript NM_001354604.2 (MANE Select); coding-DNA position 1581, G replaced by A.
Protein change: p.Ter527=.
Molecular consequence: synonymous variant.
Genome position (GRCh38, 1-based): chr3:69,965,248, G>A. VCF-style: chr3-69965248-G-A. GRCh37 (hg19) VCF-style: chr3-70014399-G-A.
Other names: c.1260G>A, p.Ter420= (NM_000248.4); c.1407G>A, p.Ter469= (NM_001184967.2, NM_001354608.2); c.1578G>A, p.Ter526= (NM_001354605.2); c.1560G>A, p.Ter520= (NM_001354606.2, NM_006722.3); c.1512G>A, p.Ter504= (NM_001354607.2); c.1242G>A, p.Ter414= (NM_198158.3); c.1563G>A, p.Ter521= (NM_198159.3); c.1515G>A, p.Ter505= (NM_198177.3); and 1 more.
Identifiers: ClinVar variation 1806644 (VCV001806644.5), dbSNP rs1388406920, ClinGen allele CA434305551.